The following is an entry in ClinVar:

ClinVar aggregate classification (germline): Uncertain significance. Review status: criteria provided, multiple submitters, no conflicts (2 of 4 stars). 2 submissions from 2 submitters: Uncertain significance (2). Last evaluated 2025-11-12.

Conditions:
Inborn genetic diseases. Identifiers: MedGen C0950123, MeSH D030342.

Allele frequency attached by ClinVar (database versions not stated): gnomAD exomes below 0.00001.
gnomAD v4.1: 3 of 1,612,748 alleles (0.00019%); highest among the groups gnomAD compares: Non-Finnish European, 0.00025%; no homozygotes.

Submissions (2):

Ambry Genetics
Classification: Uncertain significance for Inborn genetic diseases. Last evaluated: 2025-11-12. Review status: criteria provided, single submitter. Criteria: Ambry Variant Classification Scheme 2023. Collection method: clinical testing. Allele origin: germline.

Labcorp Genetics (formerly Invitae), Labcorp
Classification: Uncertain significance. Last evaluated: 2022-09-26. Review status: criteria provided, single submitter. Criteria: Invitae Variant Classification Sherloc (09022015). Collection method: clinical testing. Allele origin: germline.
Comment: This sequence change replaces alanine, which is neutral and non-polar, with glycine, which is neutral and non-polar, at codon 221 of the DGAT1 protein (p.Ala221Gly). This variant is not present in population databases (gnomAD no frequency). This variant has not been reported in the literature in individuals affected with DGAT1-related conditions. Advanced modeling of protein sequence and biophysical properties (such as structural, functional, and spatial information, amino acid conservation, physicochemical variation, residue mobility, and thermodynamic stability) performed at Invitae indicates that this missense variant is not expected to disrupt DGAT1 protein function. Algorithms developed to predict the effect of sequence changes on RNA splicing suggest that this variant may create or strengthen a splice site. In summary, the available evidence is currently insufficient to determine the role of this variant in disease. Therefore, it has been classified as a Variant of Uncertain Significance.

NM_012079.6(DGAT1):c.662C>G (p.Ala221Gly)

Gene: DGAT1 (diacylglycerol O-acyltransferase 1; minus strand). Cytogenetic location: 8q24.3.
Variant type: single nucleotide variant.
Coding change: c.662C>G on transcript NM_012079.6 (MANE Select); coding-DNA position 662, C replaced by G.
Protein change: p.Ala221Gly; replaces alanine 221 with glycine.
Molecular consequence: missense variant.
Genome position (GRCh38, 1-based): chr8:144,318,275, G>C on the plus strand (C>G on the coding strand, the complement: DGAT1 is on the minus strand). VCF-style: chr8-144318275-G-C. GRCh37 (hg19) VCF-style: chr8-145541938-G-C.
Other names: c.662C>G (NM_012079.4); short protein forms A221G.
Identifiers: ClinVar variation 2100258 (VCV002100258.5), dbSNP rs2488953847, ClinGen allele CA372612124.
Genomic context (GRCh38, chr8:144,318,275, plus strand): 5'-TGCCCAGCCCCCCAGCAGGCAGCCCCAGCCCCTGGCAGCCCCTCACCAGCCTTGGCCCTG[G>C]CCCTGCGGCACCATGAGTTGACGTCGCGGTAGGAGAAGAGCTTGAGGAAGAGGATGGTGT-3'
Protein context (NP_036211.2, residues 211-231): YRDVNSWCRR[Ala221Gly]RAKAASAGKK